The following is an entry in ClinVar:

ClinVar aggregate classification (germline): Uncertain significance (1 of 4 stars; one submission).

Submission:

CeGaT Center for Human Genetics Tuebingen
Classification: Uncertain significance. Last evaluated: 2025-02-01. Review status: criteria provided, single submitter. Criteria: CeGaT Center For Human Genetics Tuebingen Variant Classification Criteria Version 2. Collection method: clinical testing. Allele origin: germline. Affected: yes. Observed: 1 variant allele.
Comment: F8: PM2

NM_000132.4(F8):c.4990C>G (p.Arg1664Gly)

Gene: F8 (coagulation factor VIII; minus strand). Cytogenetic location: Xq28.
Variant type: single nucleotide variant.
Coding change: c.4990C>G on transcript NM_000132.4 (MANE Select); coding-DNA position 4990, C replaced by G.
Protein change: p.Arg1664Gly; replaces arginine 1664 with glycine.
Molecular consequence: missense variant.
Genome position (GRCh38, 1-based): chrX:154,928,800, G>C on the plus strand (C>G on the coding strand, the complement: F8 is on the minus strand). VCF-style: chrX-154928800-G-C. GRCh37 (hg19) VCF-style: chrX-154157075-G-C.
Other names: short protein forms R1664G.
Identifiers: ClinVar variation 3771343 (VCV003771343.13).